The following is an entry in ClinVar:

ClinVar aggregate classification (germline): Conflicting classifications of pathogenicity. Review status: criteria provided, conflicting classifications (1 of 4 stars). 16 submissions from 16 submitters: Uncertain significance (6); Benign (1); Likely benign (6). 3 of the submissions do not count toward it. Last evaluated 2026-09-01.

Conditions:
Xeroderma pigmentosum, group F (XPF). Also called: XERODERMA PIGMENTOSUM, COMPLEMENTATION GROUP F; XERODERMA PIGMENTOSUM VI; XP, GROUP F; ERCC4-Related Xeroderma Pigmentosum; XERODERMA PIGMENTOSUM, TYPE F; Xeroderma pigmentosum, type 6. Identifiers: MedGen C0268140, MONDO:0010215, OMIM 278760.
Fanconi anemia complementation group Q. Identifiers: Orphanet 84, MedGen C3808988, MONDO:0014108, OMIM 615272.
Cockayne syndrome. Identifiers: Orphanet 191, MedGen C0009207, MONDO:0016006.
ERCC4-related disorder. Also called: ERCC4-related condition.
XFE progeroid syndrome (XFEPS). Also called: XPF-ERCC1 PROGEROID SYNDROME. Identifiers: MedGen C1970416, MONDO:0012590, OMIM 610965.
Hereditary cancer-predisposing syndrome. Also called: Neoplastic Syndromes, Hereditary; Tumor predisposition; Hereditary neoplastic syndrome; Hereditary Cancer Syndrome. Identifiers: Orphanet 140162, MedGen C0027672, MeSH D009386, MONDO:0015356.
Xeroderma pigmentosum (XP). Identifiers: Orphanet 910, MedGen C0043346, MONDO:0019600.

Allele frequency attached by ClinVar (database versions not stated): ESP Exome Variant Server 0.00031; gnomAD 0.00099 and 0.00100; 1000 Genomes Project 0.00100; TOPMed 0.00117; 1000 Genomes Project 30x 0.00125.
gnomAD v4.1: 2,006 of 1,614,058 alleles (0.12%); highest among the groups gnomAD compares: Admixed American, 0.3%; 4 homozygotes.

Submissions (16):

CeGaT Center for Human Genetics Tuebingen
Classification: Likely benign. Last evaluated: 2026-09-01. Review status: criteria provided, single submitter. Criteria: CeGaT Center For Human Genetics Tuebingen Variant Classification Criteria Version 2. Collection method: clinical testing. Allele origin: germline. Affected: yes. Observed: 10 variant alleles.
Comment: ERCC4: BP4, BS2

Labcorp Genetics (formerly Invitae), Labcorp
Classification: Likely benign for Fanconi anemia complementation group Q; Xeroderma pigmentosum, group F; Cockayne syndrome. Last evaluated: 2026-01-28. Review status: criteria provided, single submitter. Criteria: Invitae Variant Classification Sherloc (09022015). Collection method: clinical testing. Allele origin: germline.

Dasa
Classification: Likely benign. Last evaluated: 2026-01-08. Review status: criteria provided, single submitter. Criteria: DASA Assertion Criteria. Collection method: clinical testing. Allele origin: germline.
Comment: NM_005236.3(ERCC4):c.1563C>G (p.Ser521Arg) is a missense variant that results in the substitution of serine with arginine. Multiple computational predictions suggest no deleterious effect on the gene or gene product. Based on the available data, this variant is classified as likely benign.

Mayo Clinic Laboratories, Mayo Clinic
Classification: Likely benign. Last evaluated: 2025-10-23. Review status: criteria provided, single submitter. Criteria: ACMG Guidelines, 2015. Collection method: clinical testing. Allele origin: germline. Observed: 1 variant allele.
Comment: BS1, BS2_supporting, BP4_moderate

Blueprint Genetics
Classification: Likely benign. Last evaluated: 2024-11-26. Review status: criteria provided, single submitter. Criteria: ACMG Guidelines, 2015. Collection method: clinical testing. Allele origin: germline.

Molecular Diagnostics Laboratory, Catalan Institute of Oncology
Classification: Benign for Hereditary cancer-predisposing syndrome. Last evaluated: 2024-10-01. Review status: criteria provided, single submitter. Criteria: ACMG Guidelines, 2015. Collection method: clinical testing. Allele origin: germline.
Comment: BA1, BP4_moderate c.1563C>G, located in exon 8 of the ERCC4 gene, is predicted to result in the substitution of Serine by Arginine at codon 521, p.(Ser521Arg). The variant allele was found in 80/35102 alleles (1 homozygote), with a filter allele frequency of 0.18% at 95% confidence, within the Admixed American population in the gnomAD v2.1.1 database (non-cancer data set) (BA1). The SpliceAI algorithm predicts no significant impact on splicing. The REVEL meta-predictor score for this variant (0.11) suggests that it does not affect the protein function according Pejaver 2022 thresholds (PMID: 36413997) (BP4_moderate). To our knowledge, neither clinical data nor functional studies have been reported for this variant. It has only been reported in ClinVar (7x uncertain significance, 4x likely benign). Based on currently available information, c.1563C>G is classified as a benign variant.

Sema4
Classification: Likely benign for Xeroderma pigmentosum. Last evaluated: 2022-01-06. Review status: criteria provided, single submitter. Criteria: Sema4 Curation Guidelines. Collection method: curation. Allele origin: germline.

Institute for Clinical Genetics, University Hospital TU Dresden, University Hospital TU Dresden
Classification: Uncertain significance. Last evaluated: 2021-11-03. Review status: criteria provided, single submitter. Criteria: ACMG Guidelines, 2015. Collection method: clinical testing. Allele origin: germline.

Genetic Services Laboratory, University of Chicago
Classification: Uncertain significance. Last evaluated: 2020-12-15. Review status: criteria provided, single submitter. Criteria: ACMG Guidelines, 2015. Collection method: clinical testing. Allele origin: germline. Affected: no.
Comment: DNA sequence analysis of the ERCC4 gene demonstrated a sequence change, c.1563C>G, in exon 8 that results in an amino acid change, p.Ser521Arg. This sequence change does not appear to have been previously described in patients with ERCC4-related disorders and has been described in the gnomAD database with a relatively high population frequency of 0.11% in non-Finnish European subpopulations (dbSNP rs41552412). The p.Ser521Arg change affects a moderately conserved amino acid residue located in a domain of the ERCC4 protein that is known to be functional. In-silico pathogenicity prediction tools (SIFT, PolyPhen2, Align GVGD, REVEL) provide contradictory results for the p.Ser521Arg substitution. Due to these contrasting evidences and the lack of functional studies, the clinical significance of the p.Ser521Arg change remains unknown at this time.

Revvity Omics, Revvity
Classification: Uncertain significance. Last evaluated: 2019-10-29. Review status: criteria provided, single submitter. Criteria: ACMG Guidelines, 2015. Collection method: clinical testing. Allele origin: germline.

Baylor Genetics
Classification: Uncertain significance for Fanconi anemia complementation group Q. Last evaluated: 2019-04-13. Review status: criteria provided, single submitter. Criteria: ACMG Guidelines, 2015. Collection method: clinical testing. Allele origin: unknown. Affected: yes. Study: CSER-TexasKidsCanSeq.
Comment: This variant was determined to be of uncertain significance according to ACMG Guidelines, 2015 [PMID:25741868].

Fulgent Genetics
Classification: Uncertain significance for Xeroderma pigmentosum, group F; XFE progeroid syndrome; Fanconi anemia complementation group Q. Last evaluated: 2018-10-31. Review status: criteria provided, single submitter. Criteria: ACMG Guidelines, 2015. Collection method: clinical testing. Allele origin: unknown.

Illumina Laboratory Services, Illumina
Classification: Uncertain significance for Xeroderma pigmentosum, group F. Last evaluated: 2018-01-12. Review status: criteria provided, single submitter. Criteria: ICSL Variant Classification Criteria 13 December 2019. Collection method: clinical testing. Allele origin: germline.

PreventionGenetics, part of Exact Sciences
Classification: Likely benign for ERCC4-related condition. Last evaluated: 2022-07-20. Review status: no assertion criteria provided. Collection method: clinical testing. Allele origin: germline. Not counted in ClinVar's aggregate classification.
Comment: This variant is classified as likely benign based on ACMG/AMP sequence variant interpretation guidelines (Richards et al. 2015 PMID: 25741868, with internal and published modifications).

ITMI
No classification provided. Condition: AllHighlyPenetrant. Last evaluated: 2013-09-19. Review status: no classification provided. Collection method: reference population. Allele origin: germline. Not counted in ClinVar's aggregate classification.
Comment: Please see associated publication for description of ethnicities

Department of Pathology and Laboratory Medicine, Sinai Health System
Classification: Uncertain significance. Review status: no assertion criteria provided. Collection method: clinical testing. Allele origin: unknown. Affected: yes. Study: The Canadian Open Genetics Repository (COGR). Not counted in ClinVar's aggregate classification.
Comment: The ERCC4 p.Ser521Arg variant was not identified in the literature nor was it identified in Cosmic. The variant was identified in dbSNP (ID: rs41552412) as "With Uncertain significance allele", LOVD 3.0, and in ClinVar (classified as a VUS by Illumina, Invitae, Fulgent Genetics and ITMI; associated conditions of Xeroderma pigmnetosum, XFE progeroid syndrome, Cockayne syndrome, and Fanconi anemia complementation group Q).The variant was also identified in control databases in 240 of 282606 chromosomes (1 homozygous) at a frequency of 0.000849 increasing the likelihood this could be a low frequency benign variant (Genome Aggregation Database Feb 27, 2017). The variant was observed in the following populations: Latino in 81 of 35434 chromosomes (freq: 0.002286), Other in 13 of 7214 chromosomes (freq: 0.001802), European (non-Finnish) in 140 of 129056 chromosomes (freq: 0.001085) and African in 6 of 24864 chromosomes (freq: 0.000241), while the variant was not observed in the Ashkenazi Jewish, East Asian, European (Finnish) and South Asian populations. Bodian et al. sequenced whole genomes from 681 healthy individuals; the p.S521R variant was identified at an allele frequency of 0.0015 in the European population, and was not found in any other population frequency within the cohort (Bodian_2014_PMID: 24728327). The variant occurs outside of the splicing consensus sequence and 2 of 4 in silico or computational prediction software programs (SpliceSiteFinder-like & MaxEntScan) predict the gain of a 5' splice site at c.1562 and c.1558, respectively. The p.Ser521 residue is conserved in mammals but not distantly related organisms, and computational analyses (PolyPhen-2, SIFT, AlignGVGD, BLOSUM, MutationTaster) provide inconsistent predictions regarding the impact to the protein; this information is not very predictive of pathogenicity. In summary, based on the above information the clinical significance of this variant cannot be determined with certainty at this time. This variant is classified as a variant of uncertain significance.

Literature cited by the submitters: PubMed 24728327 (cited by Sema4 and ITMI).

NM_005236.3(ERCC4):c.1563C>G (p.Ser521Arg)

Gene: ERCC4 (ERCC excision repair 4, endonuclease catalytic subunit; plus strand). Cytogenetic location: 16p13.12.
Variant type: single nucleotide variant.
Coding change: c.1563C>G on transcript NM_005236.3 (MANE Select); coding-DNA position 1563, C replaced by G.
Protein change: p.Ser521Arg; replaces serine 521 with arginine.
Molecular consequence: missense variant.
Genome position (GRCh38, 1-based): chr16:13,935,495, C>G. VCF-style: chr16-13935495-C-G. GRCh37 (hg19) VCF-style: chr16-14029352-C-G.
Other names: p.Ser521Arg; short protein forms S521R.
Identifiers: ClinVar variation 134153 (VCV000134153.55), dbSNP rs41552412, ClinGen allele CA158921.